The following is an entry in ClinVar:

NM_004415.4(DSP):c.1044+5G>T

Gene: DSP (desmoplakin; plus strand). Cytogenetic location: 6p24.3.
Variant type: single nucleotide variant.
Coding change: c.1044+5G>T on transcript NM_004415.4 (MANE Select); 5 bases into the intron after coding-DNA position 1044, G replaced by T.
Molecular consequence: intron variant.
Genome position (GRCh38, 1-based): chr6:7,566,486, G>T. VCF-style: chr6-7566486-G-T. GRCh37 (hg19) VCF-style: chr6-7566719-G-T.
Other names: c.1044+5G>T (NM_001319034.2, NM_001008844.3, NM_001406591.1).
Identifiers: ClinVar variation 2953527 (VCV002953527.3), dbSNP rs1206993146, ClinGen allele CA2740094237.

ClinVar aggregate classification (germline): Uncertain significance (1 of 4 stars; one submission).

Conditions:
Arrhythmogenic cardiomyopathy with wooly hair and keratoderma. Also called: PALMOPLANTAR KERATODERMA WITH LEFT VENTRICULAR CARDIOMYOPATHY AND WOOLLY HAIR; Carvajal syndrome; Arrhythmogenic cardiomyopathy with woolly hair and keratoderma; Dilated cardiomyopathy with woolly hair and keratoderma. Identifiers: Orphanet 65282, MedGen C1854063, MONDO:0011581, OMIM 605676.
Arrhythmogenic right ventricular dysplasia 8 (ARVD8). Also called: Arrhythmogenic Right Ventricular Dysplasia/Cardiomyopathy 8; ARRHYTHMOGENIC RIGHT VENTRICULAR DYSPLASIA, FAMILIAL, 8; ARRHYTHMOGENIC RIGHT VENTRICULAR CARDIOMYOPATHY 8. Identifiers: MedGen C1843896, MONDO:0011831, OMIM 607450.

Submission:

Labcorp Genetics (formerly Invitae), Labcorp
Classification: Uncertain significance for Arrhythmogenic cardiomyopathy with wooly hair and keratoderma; Arrhythmogenic right ventricular dysplasia 8. Last evaluated: 2023-11-03. Review status: criteria provided, single submitter. Criteria: Invitae Variant Classification Sherloc (09022015). Collection method: clinical testing. Allele origin: germline.
Comment: This sequence change falls in intron 8 of the DSP gene. It does not directly change the encoded amino acid sequence of the DSP protein. It affects a nucleotide within the consensus splice site. This variant is not present in population databases (gnomAD no frequency). This variant has not been reported in the literature in individuals affected with DSP-related conditions. Variants that disrupt the consensus splice site are a relatively common cause of aberrant splicing (PMID: 17576681, 9536098). Algorithms developed to predict the effect of sequence changes on RNA splicing suggest that this variant is not likely to affect RNA splicing. In summary, the available evidence is currently insufficient to determine the role of this variant in disease. Therefore, it has been classified as a Variant of Uncertain Significance.

Literature cited by the submitters: PubMed 17576681; PubMed 9536098.